The following is an entry in ClinVar:

ClinVar aggregate classification (germline): Uncertain significance (1 of 4 stars; one submission).

Conditions:
Cardiovascular phenotype. Identifiers: MedGen CN230736.

Submission:

Ambry Genetics
Classification: Uncertain significance for Cardiovascular phenotype. Last evaluated: 2026-08-18. Review status: criteria provided, single submitter. Criteria: Ambry Variant Classification Scheme 2023. Collection method: clinical testing. Allele origin: germline.
Comment: The c.1113+4C>G intronic variant results from a C to G substitution 4 nucleotides after coding exon 7 in the CACNA1C gene. This nucleotide position is poorly conserved in available vertebrate species. In silico splice site analysis predicts that this alteration will not have any significant effect on splicing. Based on the available evidence, the clinical significance of this variant remains unclear.

NM_000719.7(CACNA1C):c.1113+4C>G

Gene: CACNA1C (calcium voltage-gated channel subunit alpha1 C; plus strand). Cytogenetic location: 12p13.33.
Variant type: single nucleotide variant.
Coding change: c.1113+4C>G on transcript NM_000719.7 (MANE Select); 4 bases into the intron after coding-DNA position 1113, C replaced by G.
Molecular consequence: intron variant.
Genome position (GRCh38, 1-based): chr12:2,493,390, C>G. VCF-style: chr12-2493390-C-G. GRCh37 (hg19) VCF-style: chr12-2602556-C-G.
Other names: c.1113+4C>G (NM_001167624.3, NM_001167623.2, NM_001167625.2 and 18 more transcripts); c.1104+4C>G (NM_001129844.2).
Identifiers: ClinVar variation 1795517 (VCV001795517.3), dbSNP rs747800763, ClinGen allele CA2580085128.